The following is an entry in ClinVar:

NM_014633.5(CTR9):c.1493C>G (p.Thr498Ser)

Genes: CTR9 (CTR9 component of Paf1/RNA polymerase II complex; plus strand), LOC126861140 (CDK7 strongly-dependent group 2 enhancer GRCh37_chr11:10785333-10786532; plus strand). Cytogenetic location: 11p15.4.
Variant type: single nucleotide variant.
Coding change: c.1493C>G on transcript NM_014633.5 (MANE Select); coding-DNA position 1493, C replaced by G.
Protein change: p.Thr498Ser; replaces threonine 498 with serine.
Molecular consequence: missense variant.
Genome position (GRCh38, 1-based): chr11:10,764,627, C>G. VCF-style: chr11-10764627-C-G. GRCh37 (hg19) VCF-style: chr11-10786174-C-G.
Other names: c.1493C>G (NM_014633.3); c.1493C>G, p.Thr498Ser (NM_001346279.2); short protein forms T498S.
Identifiers: ClinVar variation 1001643 (VCV001001643.9), dbSNP rs374946934, ClinGen allele CA5885116.

ClinVar aggregate classification (germline): Uncertain significance. Review status: criteria provided, multiple submitters, no conflicts (2 of 4 stars). 2 submissions from 2 submitters: Uncertain significance (2). Last evaluated 2025-06-22.

Conditions:
Inborn genetic diseases. Identifiers: MedGen C0950123, MeSH D030342.

Allele frequency attached by ClinVar (database versions not stated): ExAC 0.00003; gnomAD 0.00003 and 0.00004; gnomAD exomes 0.00003 and 0.00005; TOPMed 0.00005; ESP Exome Variant Server 0.00008.
gnomAD v4.1: 84 of 1,613,452 alleles (0.0052%); highest among the groups gnomAD compares: Non-Finnish European, 0.0064%; no homozygotes.

Submissions (2):

Ambry Genetics
Classification: Uncertain significance for Inborn genetic diseases. Last evaluated: 2025-06-22. Review status: criteria provided, single submitter. Criteria: Ambry Variant Classification Scheme 2023. Collection method: clinical testing. Allele origin: germline.

Labcorp Genetics (formerly Invitae), Labcorp
Classification: Uncertain significance. Last evaluated: 2022-08-22. Review status: criteria provided, single submitter. Criteria: Invitae Variant Classification Sherloc (09022015). Collection method: clinical testing. Allele origin: germline.
Comment: In summary, the available evidence is currently insufficient to determine the role of this variant in disease. Therefore, it has been classified as a Variant of Uncertain Significance. Algorithms developed to predict the effect of sequence changes on RNA splicing suggest that this variant may create or strengthen a splice site. Algorithms developed to predict the effect of missense changes on protein structure and function are either unavailable or do not agree on the potential impact of this missense change (SIFT: "Deleterious"; PolyPhen-2: "Benign"; Align-GVGD: "Class C0"). ClinVar contains an entry for this variant (Variation ID: 1001643). This variant has not been reported in the literature in individuals affected with CTR9-related conditions. This variant is present in population databases (rs374946934, gnomAD 0.005%). This sequence change replaces threonine, which is neutral and polar, with serine, which is neutral and polar, at codon 498 of the CTR9 protein (p.Thr498Ser).